The following is an entry in ClinVar:

NM_000290.4(PGAM2):c.595G>T (p.Gly199Trp)

Genes: DBNL (drebrin like; plus strand), PGAM2 (phosphoglycerate mutase 2; minus strand). Cytogenetic location: 7p13.
Variant type: single nucleotide variant.
Coding change: c.595G>T on transcript NM_000290.4 (MANE Select); coding-DNA position 595, G replaced by T.
Protein change: p.Gly199Trp; replaces glycine 199 with tryptophan.
Molecular consequence: missense variant. On other transcripts: 3 prime UTR variant (6).
Genome position (GRCh38, 1-based): chr7:44,064,832, C>A on the plus strand (G>T on the coding strand, the complement: PGAM2 is on the minus strand). VCF-style: chr7-44064832-C-A. GRCh37 (hg19) VCF-style: chr7-44104431-C-A.
Other names: c.*3916C>A (NM_001014436.3, NM_001122956.2, NM_001284313.2 and 3 more transcripts); short protein forms G199W.
Identifiers: ClinVar variation 1909487 (VCV001909487.2), dbSNP rs201908821, ClinGen allele CA4236526.

ClinVar aggregate classification (germline): Uncertain significance (1 of 4 stars; one submission).

Conditions:
Glycogen storage disease type X (GSD10). Also called: MYOPATHY DUE TO PHOSPHOGLYCERATE MUTASE DEFICIENCY; PGAMM DEFICIENCY; PHOSPHOGLYCERATE MUTASE, MUSCLE, DEFICIENCY OF; Dimauro disease; GSD X; Glycogen storage disease due to phosphoglycerate mutase deficiency. Identifiers: Orphanet 97234, MedGen C0268149, MONDO:0009865, OMIM 261670.

Allele frequency attached by ClinVar (database versions not stated): TOPMed 0.00002; gnomAD 0.00003; gnomAD exomes 0.00005; ExAC 0.00010.
gnomAD v4.1: 73 of 1,602,886 alleles (0.0046%); highest among the groups gnomAD compares: Non-Finnish European, 0.0057%; no homozygotes.

Submission:

Labcorp Genetics (formerly Invitae), Labcorp
Classification: Uncertain significance for Glycogen storage disease type X. Last evaluated: 2022-07-21. Review status: criteria provided, single submitter. Criteria: Invitae Variant Classification Sherloc (09022015). Collection method: clinical testing. Allele origin: germline.
Comment: This sequence change replaces glycine, which is neutral and non-polar, with tryptophan, which is neutral and slightly polar, at codon 199 of the PGAM2 protein (p.Gly199Trp). This variant also falls at the last nucleotide of exon 2, which is part of the consensus splice site for this exon. This variant is present in population databases (rs201908821, gnomAD 0.007%). This variant has not been reported in the literature in individuals affected with PGAM2-related conditions. Algorithms developed to predict the effect of missense changes on protein structure and function are either unavailable or do not agree on the potential impact of this missense change (SIFT: "Deleterious"; PolyPhen-2: "Possibly Damaging"; Align-GVGD: "Class C15"). Variants that disrupt the consensus splice site are a relatively common cause of aberrant splicing (PMID: 17576681, 9536098). In summary, the available evidence is currently insufficient to determine the role of this variant in disease. Therefore, it has been classified as a Variant of Uncertain Significance.

Literature cited by the submitters: PubMed 17576681; PubMed 9536098.